The following is an entry in ClinVar:

ClinVar aggregate classification (germline): Uncertain significance (1 of 4 stars; one submission).

gnomAD v4.1: 1 of 1,612,794 alleles (0.000062%); highest among the groups gnomAD compares: South Asian, 0.0011%; no homozygotes.

Submission:

Women's Health and Genetics/Laboratory Corporation of America, LabCorp
Classification: Uncertain significance. Last evaluated: 2024-08-21. Review status: criteria provided, single submitter. Criteria: LabCorp Variant Classification Summary - May 2015. Collection method: clinical testing. Allele origin: germline.
Comment: Variant summary: ALDH3A2 c.835T>G (p.Tyr279Asp) results in a non-conservative amino acid change located in the Aldehyde dehydrogenase domain (IPR015590) of the encoded protein sequence. Five of five in-silico tools predict a damaging effect of the variant on protein function. The frequency data for this variant in gnomAD is considered unreliable, as metrics indicate poor data quality at this position. To our knowledge, no occurrence of c.835T>G in individuals affected with Sjogren-Larsson Syndrome and no experimental evidence demonstrating its impact on protein function have been reported. No submitters have cited clinical-significance assessments for this variant to ClinVar. Based on the evidence outlined above, the variant was classified as uncertain significance.

NM_000382.3(ALDH3A2):c.835T>G (p.Tyr279Asp)

Gene: ALDH3A2 (aldehyde dehydrogenase 3 family member A2; plus strand). Cytogenetic location: 17p11.2.
Variant type: single nucleotide variant.
Coding change: c.835T>G on transcript NM_000382.3 (MANE Select); coding-DNA position 835, T replaced by G.
Protein change: p.Tyr279Asp; replaces tyrosine 279 with aspartic acid.
Molecular consequence: missense variant.
Genome position (GRCh38, 1-based): chr17:19,661,163, T>G. VCF-style: chr17-19661163-T-G. GRCh37 (hg19) VCF-style: chr17-19564476-T-G.
Other names: c.835T>G, p.Tyr279Asp (NM_001031806.2, NM_001369136.1, NM_001369137.2 and 3 more transcripts); c.256T>G, p.Tyr86Asp (NM_001369148.2); short protein forms Y279D, Y86D.
Identifiers: ClinVar variation 3366685 (VCV003366685.1).